The following is an entry in ClinVar:

ClinVar aggregate classification (germline): Pathogenic/Likely pathogenic. Review status: criteria provided, multiple submitters, no conflicts (2 of 4 stars). 3 submissions from 3 submitters: Pathogenic (1); Likely pathogenic (1). 1 of the submissions does not count toward it. Last evaluated 2023-06-11.

Conditions:
Immunodeficiency 36 with lymphoproliferation. Also called: ACTIVATED PI3K-DELTA SYNDROME 2; Activated PI3K Delta Syndrome Type 2 (APDS2); Immunodeficiency 36. Identifiers: Orphanet 397596, Orphanet 693681, MedGen C4014934, MONDO:0014453, OMIM 616005.
Agammaglobulinemia 7, autosomal recessive (AGM7). Also called: AGAMMAGLOBULINEMIA, AUTOSOMAL RECESSIVE, DUE TO PIK3R1 DEFECT. Identifiers: MedGen C3554689, MONDO:0014083, OMIM 615214.
SHORT syndrome. Also called: SHORT STATURE, HYPEREXTENSIBILITY, HERNIA, OCULAR DEPRESSION, RIEGER ANOMALY, AND TEETHING DELAY; PIK3R1-Related SHORT Syndrome; LIPODYSTROPHY, PARTIAL, WITH RIEGER ANOMALY AND SHORT STATURE. Identifiers: Orphanet 3163, MedGen C0878684, MONDO:0010026, OMIM 269880.
Colorectal cancer. Also called: Colorectal cancer, somatic; Malignant Colorectal Neoplasm. Identifiers: MedGen C0346629, MONDO:0005575, OMIM 114500.

Submissions (3):

Labcorp Genetics (formerly Invitae), Labcorp
Classification: Pathogenic for SHORT syndrome; Immunodeficiency 36 with lymphoproliferation; Agammaglobulinemia 7, autosomal recessive. Last evaluated: 2023-06-11. Review status: criteria provided, single submitter. Criteria: Invitae Variant Classification Sherloc (09022015). Collection method: clinical testing. Allele origin: germline.
Comment: For these reasons, this variant has been classified as Pathogenic. ClinVar contains an entry for this variant (Variation ID: 998150). This variant has not been reported in the literature in individuals affected with PIK3R1-related conditions. This variant is not present in population databases (gnomAD no frequency). This sequence change creates a premature translational stop signal (p.Lys448Asnfs*32) in the PIK3R1 gene. It is expected to result in an absent or disrupted protein product. Loss-of-function variants in PIK3R1 are known to be pathogenic (PMID: 22351933, 25133428).

Baylor Genetics
Classification: Likely pathogenic for Immunodeficiency 36 with lymphoproliferation. Last evaluated: 2019-01-14. Review status: criteria provided, single submitter. Criteria: ACMG Guidelines, 2015. Collection method: clinical testing. Allele origin: unknown. Affected: yes.
Comment: This variant was determined to be likely pathogenic according to ACMG Guidelines, 2015 [PMID:25741868].

Genomic Center, National Cancer Institute
Classification: Pathogenic for Colorectal cancer. Review status: no assertion criteria provided. Collection method: case-control. Allele origin: germline. Affected: yes. Not counted in ClinVar's aggregate classification.

Literature cited by the submitters: PubMed 22351933 (cited by Labcorp Genetics (formerly Invitae), Labcorp); PubMed 25133428 (cited by Labcorp Genetics (formerly Invitae), Labcorp).

NM_181523.3(PIK3R1):c.1344del (p.Lys448fs)

Gene: PIK3R1 (phosphoinositide-3-kinase regulatory subunit 1; plus strand). Cytogenetic location: 5q13.1.
Variant type: Deletion.
Coding change: c.1344del on transcript NM_181523.3 (MANE Select); coding-DNA position 1344, one base deleted (A; older notation c.1344delA).
Protein change: p.Lys448fs; shifts the reading frame from lysine 448.
Molecular consequence: frameshift variant.
Genome position (GRCh38, 1-based): chr5:68,293,753, A deleted; the last of 6 consecutive A bases (chr5:68,293,748-68,293,753); deleting any one gives the same sequence. VCF-style (leftmost placement, unchanged base first): chr5-68293747-GA-G. GRCh37 (hg19) VCF-style: chr5-67589575-GA-G.
Other names: c.1344delA (NM_181523.3); c.255del, p.Lys85fs (NM_001242466.2); c.534del, p.Lys178fs (NM_181504.4); c.444del, p.Lys148fs (NM_181524.2); short protein forms K148fs, K178fs, K448fs, K85fs.
Identifiers: ClinVar variation 998150 (VCV000998150.6), dbSNP rs1289537429, ClinGen allele CA559869137.